The following is an entry in ClinVar:

ClinVar aggregate classification (germline): Pathogenic. Review status: criteria provided, single submitter (1 of 4 stars). 2 submissions from 2 submitters: Pathogenic (1). 1 of the submissions does not count toward it. Last evaluated 2026-06-08.

Conditions:
Intellectual developmental disorder with dysmorphic facies and ptosis (IDDDFP). Identifiers: Orphanet 698090, MedGen C4310617, MONDO:0015022, OMIM 617333.

Submissions (2):

GeneDx
Classification: Pathogenic. Last evaluated: 2026-06-08. Review status: criteria provided, single submitter. Criteria: GeneDx Variant Classification Process June 2021. Collection method: clinical testing. Allele origin: germline.
Comment: Nonsense variant predicted to result in protein truncation or nonsense mediated decay in a gene for which loss of function is a known mechanism of disease; Not observed at significant frequency in large population cohorts (gnomAD); Has not been previously published as pathogenic or benign to our knowledge

Clinical Genetics Laboratory, University Hospital Schleswig-Holstein
Classification: Pathogenic for Intellectual developmental disorder with dysmorphic facies and ptosis. Last evaluated: 2024-12-11. Review status: no assertion criteria provided. Criteria: ACMG Guidelines, 2015. Collection method: clinical testing. Allele origin: germline. Affected: yes. Not counted in ClinVar's aggregate classification.

NM_001003694.2(BRPF1):c.199C>T (p.Gln67Ter)

Gene: BRPF1 (bromodomain and PHD finger containing 1; plus strand). Cytogenetic location: 3p25.3.
Variant type: single nucleotide variant.
Coding change: c.199C>T on transcript NM_001003694.2 (MANE Select); coding-DNA position 199, C replaced by T.
Protein change: p.Gln67Ter; replaces glutamine 67 with a stop codon.
Molecular consequence: nonsense. On other transcripts: non-coding transcript variant (1).
Genome position (GRCh38, 1-based): chr3:9,734,339, C>T. VCF-style: chr3-9734339-C-T. GRCh37 (hg19) VCF-style: chr3-9776023-C-T.
Other names: c.199C>T, p.Gln67Ter (NM_001319049.2, NM_001319050.2, NM_001410704.1 and 1 more transcripts); short protein forms Q67*.
Identifiers: ClinVar variation 3730971 (VCV003730971.3).